The following is an entry in ClinVar:

NM_153717.3(EVC):c.635del (p.Cys212fs)

Gene: EVC (EvC ciliary complex subunit 1; plus strand). Cytogenetic location: 4p16.2.
Variant type: Deletion.
Coding change: c.635del on transcript NM_153717.3 (MANE Select); coding-DNA position 635, one base deleted (G; older notation c.635delG).
Protein change: p.Cys212fs; shifts the reading frame from cysteine 212.
Molecular consequence: frameshift variant.
Genome position (GRCh38, 1-based): chr4:5,733,368, G deleted. VCF-style (leftmost placement, unchanged base first): chr4-5733367-TG-T. GRCh37 (hg19) VCF-style: chr4-5735094-TG-T.
Other names: c.635del, p.Cys212fs (NM_001306090.2, NM_001306092.2); short protein forms C212fs.
Identifiers: ClinVar variation 1458806 (VCV001458806.9), dbSNP rs2151945937, ClinGen allele CA2573138335.
Genomic context (GRCh38, chr4:5,733,367, plus strand): 5'-CCGATACCCTGAAAGTCTTTTCCGCTTCTCATTTTATTTTGCAGTGTAGACGTTGACCTG[TG>T]TATCTACAGCCTTCACTTAAAAGACCTGCTGCATTTGGACACGGCACTGAGGCAGGAAAA-3'

ClinVar aggregate classification (germline): Pathogenic (1 of 4 stars; one submission).

Conditions:
Ellis-van Creveld syndrome (EVC). Also called: EVC-Related Ellis-van Creveld Syndrome; EVC2-Related Ellis-van Creveld Syndrome; MESOECTODERMAL DYSPLASIA; Chondroectodermal dysplasia. Identifiers: Orphanet 289, MedGen C0013903, MONDO:0009162, OMIM 225500.
Curry-Hall syndrome (WAD). Also called: WEYERS ACRODENTAL DYSOSTOSIS. Identifiers: Orphanet 952, MedGen C0457013, MONDO:0008673, OMIM 193530.

Submission:

Labcorp Genetics (formerly Invitae), Labcorp
Classification: Pathogenic for Curry-Hall syndrome; Ellis-van Creveld syndrome. Last evaluated: 2022-03-16. Review status: criteria provided, single submitter. Criteria: Invitae Variant Classification Sherloc (09022015). Collection method: clinical testing. Allele origin: germline.
Comment: For these reasons, this variant has been classified as Pathogenic. This premature translational stop signal has been observed in individual(s) with Ellis-van Creveld syndrome (PMID: 23220543). This variant is not present in population databases (gnomAD no frequency). This sequence change creates a premature translational stop signal (p.Cys212Leufs*7) in the EVC gene. It is expected to result in an absent or disrupted protein product. Loss-of-function variants in EVC are known to be pathogenic (PMID: 23220543).

Literature cited by the submitters: PubMed 23220543.